The following is an entry in ClinVar:

NM_005359.6(SMAD4):c.17T>C (p.Ile6Thr)

Gene: SMAD4 (SMAD family member 4; plus strand). Cytogenetic location: 18q21.2.
Variant type: single nucleotide variant.
Coding change: c.17T>C on transcript NM_005359.6 (MANE Select); coding-DNA position 17, T replaced by C.
Protein change: p.Ile6Thr; replaces isoleucine 6 with threonine.
Molecular consequence: missense variant.
Genome position (GRCh38, 1-based): chr18:51,047,063, T>C. VCF-style: chr18-51047063-T-C. GRCh37 (hg19) VCF-style: chr18-48573433-T-C.
Other names: short protein forms I6T.
Identifiers: ClinVar variation 820102 (VCV000820102.14), dbSNP rs1599181007, ClinGen allele CA402457233.

ClinVar aggregate classification (germline): Uncertain significance. Review status: criteria provided, multiple submitters, no conflicts (2 of 4 stars). 4 submissions from 4 submitters: Uncertain significance (4). Last evaluated 2024-03-06.

Conditions:
Familial thoracic aortic aneurysm and aortic dissection (TAAD). Also called: Thoracic aortic aneurysms and dissections. Identifiers: Orphanet 91387, MedGen C4707243, MONDO:0019625.
Hereditary cancer-predisposing syndrome. Also called: Tumor predisposition; Hereditary neoplastic syndrome; Neoplastic Syndromes, Hereditary; Hereditary Cancer Syndrome. Identifiers: Orphanet 140162, MedGen C0027672, MeSH D009386, MONDO:0015356.
Juvenile polyposis syndrome (JPS). Identifiers: Orphanet 2929, MedGen C0345893, MONDO:0017380, OMIM 174900.

Submissions (4):

Color Diagnostics, LLC DBA Color Health
Classification: Uncertain significance for Hereditary cancer-predisposing syndrome. Last evaluated: 2024-03-06. Review status: criteria provided, single submitter. Criteria: ACMG Guidelines, 2015. Collection method: clinical testing. Allele origin: germline.
Comment: This missense variant replaces isoleucine with threonine at codon 6 of the SMAD4 protein. Computational prediction is inconclusive regarding the impact of this variant on protein structure and function (internally defined REVEL score threshold 0.5 < inconclusive < 0.7, PMID: 27666373). Splice site prediction tools suggest that this variant may not impact RNA splicing. To our knowledge, functional studies have not been reported for this variant. This variant has not been reported in individuals affected with hereditary cancer in the literature. This variant has not been identified in the general population by the Genome Aggregation Database (gnomAD). The available evidence is insufficient to determine the role of this variant in disease conclusively. Therefore, this variant is classified as a Variant of Uncertain Significance.

GeneDx
Classification: Uncertain significance. Last evaluated: 2023-09-08. Review status: criteria provided, single submitter. Criteria: GeneDx Variant Classification Process June 2021. Collection method: clinical testing. Allele origin: germline.
Comment: Has not been previously published as pathogenic or benign to our knowledge; Not observed at significant frequency in large population cohorts (gnomAD); In silico analysis supports that this missense variant does not alter protein structure/function

Ambry Genetics
Classification: Uncertain significance for Hereditary cancer-predisposing syndrome; Familial thoracic aortic aneurysm and aortic dissection. Last evaluated: 2022-08-04. Review status: criteria provided, single submitter. Criteria: Ambry Variant Classification Scheme 2023. Collection method: clinical testing. Allele origin: germline.
Comment: The p.I6T variant (also known as c.17T>C), located in coding exon 1 of the SMAD4 gene, results from a T to C substitution at nucleotide position 17. The isoleucine at codon 6 is replaced by threonine, an amino acid with similar properties. This amino acid position is well conserved in available vertebrate species. In addition, this alteration is predicted to be deleterious by in silico analysis. Since supporting evidence is limited at this time, the clinical significance of this alteration remains unclear.

Labcorp Genetics (formerly Invitae), Labcorp
Classification: Uncertain significance for Juvenile polyposis syndrome. Last evaluated: 2022-01-27. Review status: criteria provided, single submitter. Criteria: Invitae Variant Classification Sherloc (09022015). Collection method: clinical testing. Allele origin: germline.
Comment: ClinVar contains an entry for this variant (Variation ID: 820102). This sequence change replaces isoleucine, which is neutral and non-polar, with threonine, which is neutral and polar, at codon 6 of the SMAD4 protein (p.Ile6Thr). This variant is not present in population databases (gnomAD no frequency). This variant has not been reported in the literature in individuals affected with SMAD4-related conditions. Advanced modeling of protein sequence and biophysical properties (such as structural, functional, and spatial information, amino acid conservation, physicochemical variation, residue mobility, and thermodynamic stability) performed at Invitae indicates that this missense variant is not expected to disrupt SMAD4 protein function. In summary, the available evidence is currently insufficient to determine the role of this variant in disease. Therefore, it has been classified as a Variant of Uncertain Significance.